The following is an entry in ClinVar:

ClinVar aggregate classification (germline): Conflicting classifications of pathogenicity. Review status: criteria provided, conflicting classifications (1 of 4 stars). 3 submissions from 3 submitters: Uncertain significance (2); Likely benign (1). Last evaluated 2025-11-03.

Conditions:
CBL-related disorder. Also called: NOONAN SYNDROME-LIKE DISORDER WITHOUT JUVENILE MYELOMONOCYTIC LEUKEMIA; CBL MUTATION-ASSOCIATED SYNDROME; CBL SYNDROME. Identifiers: Orphanet 363972, MedGen C3150803, MONDO:0013308, OMIM 613563.
Juvenile myelomonocytic leukemia (JMML). Also called: LEUKEMIA, JUVENILE MYELOMONOCYTIC, SOMATIC. Identifiers: Orphanet 86834, MedGen C0349639, MONDO:0011908, OMIM 607785, HP:0012209.
Cardiovascular phenotype. Identifiers: MedGen CN230736.
RASopathy. Also called: rasopathies; Noonan spectrum disorder. Identifiers: Orphanet 536391, MedGen C5555857, MONDO:0021060.

Allele frequency attached by ClinVar (database versions not stated): gnomAD exomes below 0.00001; ExAC 0.00001; gnomAD 0.00001 and 0.00002; TOPMed 0.00002; ESP Exome Variant Server 0.00008; 1000 Genomes Project 0.00020; 1000 Genomes Project 30x 0.00031.

Submissions (3):

Labcorp Genetics (formerly Invitae), Labcorp
Classification: Likely benign for RASopathy. Last evaluated: 2025-11-03. Review status: criteria provided, single submitter. Criteria: Invitae Variant Classification Sherloc (09022015). Collection method: clinical testing. Allele origin: germline.

Ambry Genetics
Classification: Uncertain significance for Cardiovascular phenotype. Last evaluated: 2025-01-10. Review status: criteria provided, single submitter. Criteria: Ambry Variant Classification Scheme 2023. Collection method: clinical testing. Allele origin: germline.
Comment: The p.F485L variant (also known as c.1455C>G), located in coding exon 10 of the CBL gene, results from a C to G substitution at nucleotide position 1455. The phenylalanine at codon 485 is replaced by leucine, an amino acid with highly similar properties. This amino acid position is conserved. In addition, this alteration is predicted to be tolerated by in silico analysis. Based on the available evidence, the clinical significance of this variant remains unclear.

Fulgent Genetics
Classification: Uncertain significance for Juvenile myelomonocytic leukemia; CBL-related disorder. Last evaluated: 2021-08-19. Review status: criteria provided, single submitter. Criteria: ACMG Guidelines, 2015. Collection method: clinical testing. Allele origin: unknown.

NM_005188.4(CBL):c.1455C>G (p.Phe485Leu)

Gene: CBL (Cbl proto-oncogene; plus strand). Cytogenetic location: 11q23.3.
Variant type: single nucleotide variant.
Coding change: c.1455C>G on transcript NM_005188.4 (MANE Select); coding-DNA position 1455, C replaced by G.
Protein change: p.Phe485Leu; replaces phenylalanine 485 with leucine.
Molecular consequence: missense variant.
Genome position (GRCh38, 1-based): chr11:119,284,992, C>G. VCF-style: chr11-119284992-C-G. GRCh37 (hg19) VCF-style: chr11-119155702-C-G.
Other names: c.1455C>G (NM_005188.2); short protein forms F485L.
Identifiers: ClinVar variation 1380621 (VCV001380621.8), dbSNP rs369547447, ClinGen allele CA6318534.